The following is an entry in ClinVar:

NM_004409.5(DMPK):c.*224CTG[131]

Genes: DM1-AS (DM1 locus antisense RNA; plus strand), DMPK (DM1 protein kinase; minus strand), LOC107075317 (origin of replication in DMPK trinucleotide repeat region; plus strand), LOC109461477 (dystrophia myotonica protein kinase repeat instability region; plus strand). Cytogenetic location: 19q13.32.
Variant type: Microsatellite.
Coding change: c.*224CTG[131] on transcript NM_004409.5 (MANE Select); 131 copies in a row of the 3-base unit CTG starting at c.*224.
Molecular consequence: 3 prime UTR variant.
Genome position: GRCh38, VCF-style position (the base before the change): chr19:45,770,204. GRCh37 (hg19), VCF-style position (the base before the change): chr19:46,273,462.
Other names: DM1 CTG repeat expansion; c.*224CTG[131] (NM_001081560.3, NM_001288764.2, NM_001424165.1 and 1 more transcripts); c.*217CTG[131] (NM_001081562.3, NM_001288765.2, NM_001424162.1 and 2 more transcripts); c.*222_*224TGC[131] (NM_001081563.3); c.*369CTG[131] (NM_001288766.2, NM_001424164.1, NM_001424168.1).
Identifiers: ClinVar variation 187919 (VCV000187919.2), ClinGen allele CA915951716.

ClinVar aggregate classification (germline): Pathogenic (0 of 4 stars; one submission).

Conditions:
Steinert myotonic dystrophy syndrome (DM1). Also called: STEINERT DISEASE; Myotonic dystrophy type 1; Dystrophia myotonica type 1; Steinert myotonic dystrophy; Steinert's disease. Identifiers: Orphanet 273, MedGen C3250443, MONDO:0008056, OMIM 160900.

Submission:

Institute of Molecular, Cell and Systems Biology, University of Glasgow
Classification: Pathogenic for Steinert myotonic dystrophy syndrome. Review status: no assertion criteria provided. Criteria: research. Collection method: research. Allele origin: germline. Inheritance: Autosomal dominant inheritance. Affected: yes. Observed: 2 heterozygotes.
Comment: DMPK CTG repeat expansions greater than approximately 45-50 repeats are assumed to be pathogenic

This record is based on data published in PubMed 25052313, which reports only ClinVar accessions SCV000120188 and SCV000120189. The complete data set includes SCV000207445 - SCV000207579.

Literature cited by the submitters: PubMed 1346923; PubMed 1546326; PubMed 25052313.